The following is an entry in ClinVar:

ClinVar aggregate classification (germline): Uncertain significance. Review status: criteria provided, multiple submitters, no conflicts (2 of 4 stars). 4 submissions from 4 submitters: Uncertain significance (3). 1 of the submissions does not count toward it. Last evaluated 2026-03-18.

Conditions:
Retinitis pigmentosa 25 (RP25). Identifiers: Orphanet 791, MedGen C1864446, MONDO:0011272, OMIM 602772.
EYS-related disorder. Also called: EYS-related condition.

Allele frequency attached by ClinVar (database versions not stated): TOPMed 0.00029; 1000 Genomes Project 30x 0.00031; 1000 Genomes Project 0.00040; gnomAD exomes 0.00006; gnomAD 0.00025 and 0.00026.
gnomAD v4.1: 96 of 1,551,006 alleles (0.0062%); highest among the groups gnomAD compares: African/African-American, 0.099%; no homozygotes.

Submissions (4):

PreventionGenetics, part of Exact Sciences
Classification: Uncertain significance for EYS-related condition. Last evaluated: 2026-03-18. Review status: criteria provided, single submitter. Criteria: ACMG Guidelines, 2015. Collection method: clinical testing. Allele origin: germline.
Comment: The EYS c.2512C>T variant is predicted to result in the amino acid substitution p.Pro838Ser. To our knowledge, this variant has not been reported in the literature. This variant is reported in 0.084% of alleles in individuals of African descent in gnomAD. Although we suspect that this variant may be benign, at this time, the clinical significance of this variant is uncertain due to the absence of conclusive functional and genetic evidence.

Blueprint Genetics
Classification: Uncertain significance. Last evaluated: 2024-11-26. Review status: criteria provided, single submitter. Criteria: ACMG Guidelines, 2015. Collection method: clinical testing. Allele origin: germline.

Labcorp Genetics (formerly Invitae), Labcorp
Classification: Uncertain significance. Last evaluated: 2024-11-18. Review status: criteria provided, single submitter. Criteria: Invitae Variant Classification Sherloc (09022015). Collection method: clinical testing. Allele origin: germline.
Comment: This sequence change replaces proline, which is neutral and non-polar, with serine, which is neutral and polar, at codon 838 of the EYS protein (p.Pro838Ser). This variant is present in population databases (rs112495229, gnomAD 0.07%). This variant has not been reported in the literature in individuals affected with EYS-related conditions. ClinVar contains an entry for this variant (Variation ID: 842798). Invitae Evidence Modeling of protein sequence and biophysical properties (such as structural, functional, and spatial information, amino acid conservation, physicochemical variation, residue mobility, and thermodynamic stability) indicates that this missense variant is expected to disrupt EYS protein function with a positive predictive value of 80%. In summary, the available evidence is currently insufficient to determine the role of this variant in disease. Therefore, it has been classified as a Variant of Uncertain Significance.

Natera, Inc.
Classification: Uncertain significance for Retinitis pigmentosa type 25. Last evaluated: 2020-03-10. Review status: no assertion criteria provided. Collection method: clinical testing. Allele origin: germline. Not counted in ClinVar's aggregate classification.

NM_001142800.2(EYS):c.2512C>T (p.Pro838Ser)

Gene: EYS (EGF-like photoreceptor maintenance factor; minus strand). Cytogenetic location: 6q12.
Variant type: single nucleotide variant.
Coding change: c.2512C>T on transcript NM_001142800.2 (MANE Select); coding-DNA position 2512, C replaced by T.
Protein change: p.Pro838Ser; replaces proline 838 with serine.
Molecular consequence: missense variant.
Genome position (GRCh38, 1-based): chr6:64,912,613, G>A on the plus strand (C>T on the coding strand, the complement: EYS is on the minus strand). VCF-style: chr6-64912613-G-A. GRCh37 (hg19) VCF-style: chr6-65622506-G-A.
Other names: c.2512C>T, p.Pro838Ser (NM_001292009.2); short protein forms P838S.
Identifiers: ClinVar variation 842798 (VCV000842798.7), dbSNP rs112495229, ClinGen allele CA140380279.